The following is an entry in ClinVar:

NM_014874.4(MFN2):c.1921T>G (p.Tyr641Asp)

Gene: MFN2 (mitofusin 2; plus strand). Cytogenetic location: 1p36.22.
Variant type: single nucleotide variant.
Coding change: c.1921T>G on transcript NM_014874.4 (MANE Select); coding-DNA position 1921, T replaced by G.
Protein change: p.Tyr641Asp; replaces tyrosine 641 with aspartic acid.
Molecular consequence: missense variant.
Genome position (GRCh38, 1-based): chr1:12,007,101, T>G. VCF-style: chr1-12007101-T-G. GRCh37 (hg19) VCF-style: chr1-12067158-T-G.
Other names: c.1921T>G, p.Tyr641Asp (NM_001127660.2); short protein forms Y641D.
Identifiers: ClinVar variation 1373672 (VCV001373672.6), dbSNP rs1569870930, ClinGen allele CA338450682.

ClinVar aggregate classification (germline): Uncertain significance (1 of 4 stars; one submission).

Conditions:
Charcot-Marie-Tooth disease type 2. Also called: Charcot-Marie-Tooth type 2. Identifiers: Orphanet 64746, MedGen C0270914, MONDO:0018993.

Submission:

Labcorp Genetics (formerly Invitae), Labcorp
Classification: Uncertain significance for Charcot-Marie-Tooth disease type 2. Last evaluated: 2022-03-19. Review status: criteria provided, single submitter. Criteria: Invitae Variant Classification Sherloc (09022015). Collection method: clinical testing. Allele origin: germline.
Comment: This variant has not been reported in the literature in individuals affected with MFN2-related conditions. Advanced modeling of protein sequence and biophysical properties (such as structural, functional, and spatial information, amino acid conservation, physicochemical variation, residue mobility, and thermodynamic stability) performed at Invitae indicates that this missense variant is expected to disrupt MFN2 protein function. This variant is not present in population databases (gnomAD no frequency). In summary, the available evidence is currently insufficient to determine the role of this variant in disease. Therefore, it has been classified as a Variant of Uncertain Significance. This sequence change replaces tyrosine, which is neutral and polar, with aspartic acid, which is acidic and polar, at codon 641 of the MFN2 protein (p.Tyr641Asp).